The following is an entry in ClinVar:

NM_015158.5(KANK1):c.386T>C (p.Leu129Pro)

Gene: KANK1 (KN motif and ankyrin repeat domains 1; plus strand). Cytogenetic location: 9p24.3.
Variant type: single nucleotide variant.
Coding change: c.386T>C on transcript NM_015158.5 (MANE Select); coding-DNA position 386, T replaced by C.
Protein change: p.Leu129Pro; replaces leucine 129 with proline.
Molecular consequence: missense variant. On other transcripts: 5 prime UTR variant (12), non-coding transcript variant (1).
Genome position (GRCh38, 1-based): chr9:711,152, T>C. VCF-style: chr9-711152-T-C. GRCh37 (hg19) VCF-style: chr9-711152-T-C.
Other names: c.386T>C, p.Leu129Pro (NM_001256876.3, NM_001256877.3, NM_001354331.2 and 2 more transcripts); c.-89T>C (NM_001354333.2, NM_001354335.2, NM_001354336.2 and 9 more transcripts); short protein forms L129P.
Identifiers: ClinVar variation 3067755 (VCV003067755.21), dbSNP rs200460515, ClinGen allele CA187835922.
Genomic context (GRCh38, chr9:711,152, plus strand): 5'-CCAGAAGTCAAGTTACATCAACTCCAATCTCAAAGCCACCTCCCCCTCTGGAGACCTCAC[T>C]CCCTTTTCTTACCATCCCAGAAAATCGACAGCTGCCACCTCCCTCACCACAACTCCCAAA-3'
Protein context (NP_055973.2, residues 119-139): SKPPPPLETS[Leu129Pro]PFLTIPENRQ

ClinVar aggregate classification (germline): Uncertain significance (1 of 4 stars; one submission).

Submission:

CeGaT Center for Human Genetics Tuebingen
Classification: Uncertain significance. Last evaluated: 2024-03-01. Review status: criteria provided, single submitter. Criteria: CeGaT Center For Human Genetics Tuebingen Variant Classification Criteria Version 2. Collection method: clinical testing. Allele origin: germline. Affected: yes. Observed: 1 variant allele.
Comment: KANK1: PM2, BP4